The following is an entry in ClinVar:

NM_000152.5(GAA):c.238A>G (p.Thr80Ala)

Gene: GAA (alpha glucosidase; plus strand). Cytogenetic location: 17q25.3.
Variant type: single nucleotide variant.
Coding change: c.238A>G on transcript NM_000152.5 (MANE Select); coding-DNA position 238, A replaced by G.
Protein change: p.Thr80Ala; replaces threonine 80 with alanine.
Molecular consequence: missense variant.
Genome position (GRCh38, 1-based): chr17:80,104,824, A>G. VCF-style: chr17-80104824-A-G. GRCh37 (hg19) VCF-style: chr17-78078623-A-G.
Other names: c.238A>G, p.Thr80Ala (NM_001079803.3, NM_001079804.3, NM_001406741.1 and 1 more transcripts); short protein forms T80A.
Identifiers: ClinVar variation 3627087 (VCV003627087.2).
Genomic context (GRCh38, chr17:80,104,824, plus strand): 5'-GCCAGCAGACCAGGGCCCCGGGATGCCCAGGCACACCCCGGCCGTCCCAGAGCAGTGCCC[A>G]CACAGTGCGACGTCCCCCCCAACAGCCGCTTCGATTGCGCCCCTGACAAGGCCATCACCC-3'
Protein context (NP_000143.2, residues 70-90): AHPGRPRAVP[Thr80Ala]QCDVPPNSRF

ClinVar aggregate classification (germline): Uncertain significance (1 of 4 stars; one submission).

Conditions:
Glycogen storage disease, type II (IOPD). Also called: GLYCOGENOSIS, GENERALIZED, CARDIAC FORM; GSD II; POMPE DISEASE, INFANTILE-ONSET; GLYCOGEN STORAGE DISEASE II, INFANTILE-ONSET; ACID ALPHA-GLUCOSIDASE DEFICIENCY, INFANTILE-ONSET; GAA DEFICIENCY, INFANTILE-ONSET. Identifiers: Orphanet 365, MedGen C0017921, MONDO:0009290, OMIM 232300.

Submission:

Labcorp Genetics (formerly Invitae), Labcorp
Classification: Uncertain significance for Glycogen storage disease, type II. Last evaluated: 2024-09-30. Review status: criteria provided, single submitter. Criteria: Invitae Variant Classification Sherloc (09022015). Collection method: clinical testing. Allele origin: germline.
Comment: This sequence change replaces threonine, which is neutral and polar, with alanine, which is neutral and non-polar, at codon 80 of the GAA protein (p.Thr80Ala). This variant is not present in population databases (gnomAD no frequency). This variant has not been reported in the literature in individuals affected with GAA-related conditions. Invitae Evidence Modeling of protein sequence and biophysical properties (such as structural, functional, and spatial information, amino acid conservation, physicochemical variation, residue mobility, and thermodynamic stability) indicates that this missense variant is not expected to disrupt GAA protein function with a negative predictive value of 95%. In summary, the available evidence is currently insufficient to determine the role of this variant in disease. Therefore, it has been classified as a Variant of Uncertain Significance.